The following is an entry in ClinVar:

NM_020975.6(RET):c.88T>C (p.Tyr30His)

Gene: RET (ret proto-oncogene; plus strand). Cytogenetic location: 10q11.21.
Variant type: single nucleotide variant.
Coding change: c.88T>C on transcript NM_020975.6 (MANE Select); coding-DNA position 88, T replaced by C.
Protein change: p.Tyr30His; replaces tyrosine 30 with histidine.
Molecular consequence: missense variant. On other transcripts: intron variant (4).
Genome position (GRCh38, 1-based): chr10:43,100,473, T>C. VCF-style: chr10-43100473-T-C. GRCh37 (hg19) VCF-style: chr10-43595921-T-C.
Other names: c.88T>C, p.Tyr30His (NM_001406790.1, NM_001406759.1, NM_001406791.1 and 32 more transcripts); c.74-8558T>C (NM_001406784.1); c.74-11626T>C (NM_001406794.1, NM_001406792.1, NM_001406793.1); short protein forms Y30H.
Identifiers: ClinVar variation 4152770 (VCV004152770.1).

ClinVar aggregate classification (germline): Uncertain significance (1 of 4 stars; one submission).

Conditions:
Hereditary cancer-predisposing syndrome. Also called: Neoplastic Syndromes, Hereditary; Tumor predisposition; Hereditary Cancer Syndrome; Hereditary neoplastic syndrome. Identifiers: Orphanet 140162, MedGen C0027672, MeSH D009386, MONDO:0015356.

Submission:

Ambry Genetics
Classification: Uncertain significance for Hereditary cancer-predisposing syndrome. Last evaluated: 2025-07-07. Review status: criteria provided, single submitter. Criteria: Ambry Variant Classification Scheme 2023. Collection method: clinical testing. Allele origin: germline.
Comment: The p.Y30H variant (also known as c.88T>C), located in coding exon 2 of the RET gene, results from a T to C substitution at nucleotide position 88. The tyrosine at codon 30 is replaced by histidine, an amino acid with similar properties. This amino acid position is highly conserved in available vertebrate species. In addition, this alteration is predicted to be deleterious by in silico analysis. Based on the available evidence, the clinical significance of this variant remains unclear.